The following is an entry in ClinVar:

NM_001351132.2(PEX5):c.1513G>A (p.Asp505Asn)

Gene: PEX5 (peroxisomal biogenesis factor 5; plus strand). Cytogenetic location: 12p13.31.
Variant type: single nucleotide variant.
Coding change: c.1513G>A on transcript NM_001351132.2 (MANE Select); coding-DNA position 1513, G replaced by A.
Protein change: p.Asp505Asn; replaces aspartic acid 505 with asparagine.
Molecular consequence: missense variant.
Genome position (GRCh38, 1-based): chr12:7,209,123, G>A. VCF-style: chr12-7209123-G-A. GRCh37 (hg19) VCF-style: chr12-7361719-G-A.
Other names: c.1489G>A, p.Asp497Asn (NM_000319.5); c.1558G>A, p.Asp520Asn (NM_001131023.2); c.1402G>A, p.Asp468Asn (NM_001131024.2, NM_001351124.3, NM_001351126.2 and 7 more transcripts); c.1513G>A, p.Asp505Asn (NM_001131025.2, NM_001131026.2, NM_001300789.3 and 4 more transcripts); c.1378G>A, p.Asp460Asn (NM_001374649.2, NM_001351139.2, NM_001351140.2); c.1447G>A, p.Asp483Asn (NM_001351135.3, NM_001351138.2); c.1504G>A, p.Asp502Asn (NM_001351136.2); c.1513G>A (NM_001131025.1); short protein forms D468N, D483N, D497N, D505N, D502N, D520N, D460N.
Identifiers: ClinVar variation 1420352 (VCV001420352.8), dbSNP rs775935095, ClinGen allele CA6426474.

ClinVar aggregate classification (germline): Uncertain significance. Review status: criteria provided, multiple submitters, no conflicts (2 of 4 stars). 2 submissions from 2 submitters: Uncertain significance (2). Last evaluated 2025-11-19.

Conditions:
Inborn genetic diseases. Identifiers: MedGen C0950123, MeSH D030342.
Peroxisome biogenesis disorder 2B (PBD2B). Identifiers: Orphanet 44, MedGen C3550234, MONDO:0008736, OMIM 202370.

Allele frequency attached by ClinVar (database versions not stated): gnomAD exomes 0.00001; ExAC 0.00002.
gnomAD v4.1: 19 of 1,614,014 alleles (0.0012%); highest among the groups gnomAD compares: Non-Finnish European, 0.0015%; no homozygotes.

Submissions (2):

Ambry Genetics
Classification: Uncertain significance for Inborn genetic diseases. Last evaluated: 2025-11-19. Review status: criteria provided, single submitter. Criteria: Ambry Variant Classification Scheme 2023. Collection method: clinical testing. Allele origin: germline.

Labcorp Genetics (formerly Invitae), Labcorp
Classification: Uncertain significance for Peroxisome biogenesis disorder 2B. Last evaluated: 2023-10-03. Review status: criteria provided, single submitter. Criteria: Invitae Variant Classification Sherloc (09022015). Collection method: clinical testing. Allele origin: germline.
Comment: This sequence change replaces aspartic acid, which is acidic and polar, with asparagine, which is neutral and polar, at codon 505 of the PEX5 protein (p.Asp505Asn). This variant is present in population databases (rs775935095, gnomAD 0.002%). This variant has not been reported in the literature in individuals affected with PEX5-related conditions. ClinVar contains an entry for this variant (Variation ID: 1420352). Advanced modeling of protein sequence and biophysical properties (such as structural, functional, and spatial information, amino acid conservation, physicochemical variation, residue mobility, and thermodynamic stability) performed at Invitae indicates that this missense variant is not expected to disrupt PEX5 protein function. In summary, the available evidence is currently insufficient to determine the role of this variant in disease. Therefore, it has been classified as a Variant of Uncertain Significance.